The following continues an entry in ClinVar:

NM_000243.3(MEFV):c.2040G>A (p.Met680Ile)

ClinVar aggregate classification (germline): Pathogenic. Pathogenic (21).

Submissions 14 to 27 of 28:

GeneDx
Classification: Pathogenic. Last evaluated: 2023-01-26. Review status: criteria provided, single submitter. Criteria: GeneDx Variant Classification Process June 2021. Collection method: clinical testing. Allele origin: germline. Affected: yes.
Comment: Published functional studies demonstrate a reduced binding activity of the protein (Chae et al., 2006); Not observed at significant frequency in large population cohorts (gnomAD); In silico analysis supports that this missense variant does not alter protein structure/function; This variant is associated with the following publications: (PMID: 28289585, 23907647, 22975760, 10090880, 29543225, 32199921, 34426522, 32853466, 33440462, 33733382, 16785446, 19302049)

Illumina Laboratory Services, Illumina
Classification: Pathogenic for Familial Mediterranean fever. Last evaluated: 2022-05-10. Review status: criteria provided, single submitter. Criteria: ICSLVariantClassificationCriteria RUGD 01 April 2020. Collection method: clinical testing. Allele origin: unknown.
Comment: The MEFV c.2040G>A (p.Met680Ile) missense variant results in the substitution of methionine at amino acid position 680 with isoleucine. The c.2040G>A variant has been reported in at least four studies in which it is found in a total of eight probands with familial Mediterranean fever (FMF) including in one in a homozygous state, in five in a compound heterozygous state and in two in a heterozygous state (Aksentijevich et al. 1999; Sahin et al. 2008; Sabbagh et al. 2008; Jarjour et al. 2010). The c.2040G>A variant is reported in the Genome Aggregation Database in two alleles at a frequency of 0.000029 in the European (non-Finnish) population (version 3.1.2). Another variant at the same nucleotide position (c.2040G>C) that results in the same amino acid change has been frequently reported in the literature as pathogenic for FMF. The p.Met680Ile variant has been reported in additional studies in which the cDNA change is not been specified. In at least 13 studies, the p.Met680Ile variant has been found in a homozygous state in at least 81 probands with FMF, in a compound heterozygous state in at least 159 probands with FMF, in a heterozygous state in at least 88 individuals with FMF and in nine of 431 controls (Cazeneuve et al. 1999; Shinawi et al. 2000; Akar et al. 2000; Yilmaz et al. 2001; Gershoni-Baruch et al. 2002; Etem et al. 2010; Talaat et al. 2012; Ocak et al. 2013; Moradian et al. 2014; Salehzadeh et al. 2015a; Salehzadeh et al. 2015b; Kilic et al. 2015; Salah et al. 2016). Functional studies demonstrate that the c.2040G>A variant results in decreased binding of caspase-1 compared to wild-type (Chae et al. 2006). Based on the available evidence, the c.2040G>A (p.Met680Ile) variant is classified as pathogenic for familial Mediterranean fever.

Genome Diagnostics Laboratory, The Hospital for Sick Children
Classification: Pathogenic for Autoinflammatory syndrome. Last evaluated: 2022-03-25. Review status: criteria provided, single submitter. Criteria: ACMG Guidelines, 2015. Collection method: clinical testing. Allele origin: germline. Affected: yes.

Dubai Health Genomic Medicine Center, Dubai Health
Classification: Pathogenic for Familial Mediterranean fever. Last evaluated: 2020-10-04. Review status: criteria provided, single submitter. Criteria: ACMG Guidelines, 2015. Collection method: clinical testing. Allele origin: germline. Affected: yes.

Revvity Omics, Revvity
Classification: Pathogenic. Last evaluated: 2020-08-22. Review status: criteria provided, single submitter. Criteria: ACMG Guidelines, 2015. Collection method: clinical testing. Allele origin: germline.

Women's Health and Genetics/Laboratory Corporation of America, LabCorp
Classification: Pathogenic for Familial Mediterranean fever. Last evaluated: 2019-12-04. Review status: criteria provided, single submitter. Criteria: LabCorp Variant Classification Summary - May 2015. Collection method: clinical testing. Allele origin: germline.
Comment: Variant summary: MEFV c.2040G>A (p.Met680Ile) results in a conservative amino acid change located in the B30.2/SPRY domain (IPR001870) of the encoded protein sequence. Five of five in-silico tools predict a benign effect of the variant on protein function. The variant allele was found at a frequency of 8e-06 in 251474 control chromosomes (gnomAD). c.2040G>A has been reported in the literature in multiple individuals affected with Familial Mediterranean Fever (e.g. Akin_2010, Aksentijevich_1999). A different variant causing the same amino acid change (i.e. c.2040G>C, p.Met680Ile) is considered one of the most frequently observed MEFV mutations. Collectively, M680I without specifying nucleotide change, has been reported in multiple individuals affected with Familial Mediterranean Fever (e.g. Kriegshauser_2018, Yilmaz_2009). These data indicate that the variant is very likely to be associated with disease. Four ClinVar submitters (evaluation after 2014) cite the variant as pathogenic. Furthermore, in 2018 the experts international study group for systemic autoinflammatory diseases (INSAID) decided a consensus classification of pathogenic for the variant (Van Gijn_2018). Based on the evidence outlined above, the variant was classified as pathogenic.

Quest Diagnostics Nichols Institute San Juan Capistrano
Classification: Pathogenic. Last evaluated: 2019-02-20. Review status: criteria provided, single submitter. Criteria: Quest Diagnostics criteria. Collection method: clinical testing. Allele origin: germline.
Comment: The best available variant frequency is uninformative. Found in at least one symptomatic patient. Predicted to have a tolerated effect on the protein. One other pathogenic or likely pathogenic variant affects the same amino acid. Occurs in multiple cases with a recessive pathogenic variant in the same gene. Assessment of experimental evidence suggests this variant results in abnormal protein function.

Clinical Genetics and Genomics, Karolinska University Hospital
Classification: Pathogenic. Last evaluated: 2014-12-02. Review status: criteria provided, single submitter. Criteria: ACMG Guidelines, 2015. Collection method: clinical testing. Allele origin: germline. Affected: yes. Observed: 4 variant alleles.

PreventionGenetics, part of Exact Sciences
Classification: Pathogenic for MEFV-related condition. Last evaluated: 2024-09-03. Review status: no assertion criteria provided. Collection method: clinical testing. Allele origin: germline. Not counted in ClinVar's aggregate classification.
Comment: The MEFV c.2040G>A variant is predicted to result in the amino acid substitution p.Met680Ile. This variant, in the compound heterozygous or homozygous state, has been identified in patients with familial Mediterranean fever (Gershoni-Baruch et al. 2002. PubMed ID: 11938447; Moradian et al. 2014. PubMed ID: 23907647; Bagheri and Rad. 2017. PubMed ID: 29218063). In addition, this variant has also been associated with Behcet’s disease (Wu et al. 2015. PubMed ID: 26176758). This variant is reported in 0.0018% of alleles in individuals of European (Non-Finnish) descent in gnomAD. This variant is interpreted as pathogenic.

Biochemical Molecular Genetic Laboratory, King Abdulaziz Medical City
Classification: Pathogenic for Familial Mediterranean fever, autosomal dominant. Last evaluated: 2020-06-07. Review status: no assertion criteria provided. Collection method: clinical testing. Allele origin: germline. Affected: yes. Not counted in ClinVar's aggregate classification.

Counsyl
Classification: Pathogenic for Familial Mediterranean fever. Last evaluated: 2019-03-15. Review status: no assertion criteria provided. Collection method: clinical testing. Allele origin: unknown. Not counted in ClinVar's aggregate classification.

OMIM
Classification: Pathogenic for FAMILIAL MEDITERRANEAN FEVER. Last evaluated: 1999-04-01. Review status: no assertion criteria provided. Collection method: literature only. Allele origin: germline. Not counted in ClinVar's aggregate classification.

Department of Pathology and Laboratory Medicine, Sinai Health System
Classification: Pathogenic. Review status: no assertion criteria provided. Collection method: clinical testing. Allele origin: unknown. Affected: yes. Study: The Canadian Open Genetics Repository (COGR). Not counted in ClinVar's aggregate classification.
Comment: The MEFV p.Met680Ile (c.2040G>A) variant was identified in 1 of 548 proband chromosomes (frequency: 0.0018) from individuals with Familial Mediterranean fever (FMF) (Aksentijevich_1999_PMID:10090880). The variant was also identified in dbSNP (ID: rs28940580), LOVD 3.0 and ClinVar (classified as pathogenic for FMF by GeneDx, ARUP Laboratories, Integrated Genetics, Invitae and Illumina). The variant was identified in control databases in 2 of 251474 chromosomes at a frequency of 0.000008 (Genome Aggregation Database Feb 27, 2017). The variant was observed in the European (non-Finnish) population in 2 of 113758 chromosomes (freq: 0.000018), while the variant was not observed in the African, Latino, Ashkenazi Jewish, East Asian, European (Finnish), Other or South Asian populations. Another variant in the MEFV gene, c.2040G>C, causes the same M680I missense change, and is a common variant associated with FMF (ClinVar ID: 36507). The M680I change was identified in 48/514 Turkish patients with FMF (freq=0.048; 20 heterozygotes, 27 compound heterozygotes, 1 homozygote), however the cDNA change causing this missense change (c.2040G>A or c.2040G>C) was not reported (Cekin_2017_PMID: 28483595). Although four out of five computational analyses (PolyPhen-2, AlignGVGD, BLOSUM, MutationTaster) do not suggest a high likelihood of impact to the protein, the p.Met680 residue is conserved across mammals and other organisms. Further, functional studies of the M680I variant have demonstrated abnormal pyrin protein function (encoded by MEFV) as well as an FMF phenotype in M680I knock-in mice (Chae_2006_PMID: 16785446; Chae_2011_PMID: 21600797). In summary, based on the above information this variant meets our laboratoryâ€šÃ„Ã´s criteria to be classified as pathogenic.

Dubai Health Genomic Medicine Center, Dubai Health
Classification: Pathogenic. Last evaluated: 2022-12-17. Review status: flagged submission. Criteria: ACMG Guidelines, 2015. Collection method: clinical testing. Allele origin: germline. Affected: yes. Not counted in ClinVar's aggregate classification.
ClinVar note: Reason: This record appears to be redundant with a more recent record from the same submitter.
ClinVar note: Notes: SCV002818286 appears to be redundant with SCV001448265.